The following is an entry in ClinVar:

ClinVar aggregate classification (germline): Uncertain significance. Review status: criteria provided, single submitter (1 of 4 stars). 2 submissions from 2 submitters: Uncertain significance (1). 1 of the submissions does not count toward it. Last evaluated 2022-07-11.

Conditions:
Glycogen storage disease, type II (IOPD). Also called: Glucosidase acid-1,4-alpha deficiency; GSD II; POMPE DISEASE, INFANTILE-ONSET; GLYCOGEN STORAGE DISEASE II, INFANTILE-ONSET; ACID ALPHA-GLUCOSIDASE DEFICIENCY, INFANTILE-ONSET; GAA DEFICIENCY, INFANTILE-ONSET. Identifiers: Orphanet 365, MedGen C0017921, MONDO:0009290, OMIM 232300.

Allele frequency attached by ClinVar (database versions not stated): gnomAD exomes below 0.00001; TOPMed below 0.00001.
gnomAD v4.1: 5 of 1,607,596 alleles (0.00031%); highest among the groups gnomAD compares: Middle Eastern, 0.017%; no homozygotes.

Submissions (2):

Labcorp Genetics (formerly Invitae), Labcorp
Classification: Uncertain significance for Glycogen storage disease, type II. Last evaluated: 2022-07-11. Review status: criteria provided, single submitter. Criteria: Invitae Variant Classification Sherloc (09022015). Collection method: clinical testing. Allele origin: germline.
Comment: This sequence change replaces glutamic acid, which is acidic and polar, with lysine, which is basic and polar, at codon 856 of the GAA protein (p.Glu856Lys). This variant is present in population databases (no rsID available, gnomAD 0.0009%). This variant has not been reported in the literature in individuals affected with GAA-related conditions. ClinVar contains an entry for this variant (Variation ID: 955037). Algorithms developed to predict the effect of missense changes on protein structure and function are either unavailable or do not agree on the potential impact of this missense change (SIFT: "Deleterious"; PolyPhen-2: "Benign"; Align-GVGD: "Class C15"). In summary, the available evidence is currently insufficient to determine the role of this variant in disease. Therefore, it has been classified as a Variant of Uncertain Significance.

Natera, Inc.
Classification: Uncertain significance for Glycogen storage disease type II. Last evaluated: 2020-02-21. Review status: no assertion criteria provided. Collection method: clinical testing. Allele origin: germline. Not counted in ClinVar's aggregate classification.

NM_000152.5(GAA):c.2566G>A (p.Glu856Lys)

Gene: GAA (alpha glucosidase; plus strand). Cytogenetic location: 17q25.3.
Variant type: single nucleotide variant.
Coding change: c.2566G>A on transcript NM_000152.5 (MANE Select); coding-DNA position 2566, G replaced by A.
Protein change: p.Glu856Lys; replaces glutamic acid 856 with lysine.
Molecular consequence: missense variant.
Genome position (GRCh38, 1-based): chr17:80,118,277, G>A. VCF-style: chr17-80118277-G-A. GRCh37 (hg19) VCF-style: chr17-78092076-G-A.
Other names: c.2566G>A, p.Glu856Lys (NM_001079803.3, NM_001079804.3); short protein forms E856K.
Identifiers: ClinVar variation 955037 (VCV000955037.8), dbSNP rs1039438307, ClinGen allele CA294858038.